The following is an entry in ClinVar:

ClinVar aggregate classification (germline): Likely benign. Review status: criteria provided, multiple submitters, no conflicts (2 of 4 stars). 3 submissions from 3 submitters: Likely benign (3). Last evaluated 2025-08-11.

Conditions:
COL4A1-related disorder. Also called: COL4A1-related disorders; COL4A1-related condition. Identifiers: MedGen CN376119, MONDO:0800461.

Allele frequency attached by ClinVar (database versions not stated): ExAC 0.00002; TOPMed 0.00007.
gnomAD v4.1: 26 of 1,613,982 alleles (0.0016%); highest among the groups gnomAD compares: Admixed American, 0.0083%; no homozygotes.

Submissions (3):

Labcorp Genetics (formerly Invitae), Labcorp
Classification: Likely benign. Last evaluated: 2025-08-11. Review status: criteria provided, single submitter. Criteria: Invitae Variant Classification Sherloc (09022015). Collection method: clinical testing. Allele origin: germline.

Women's Health and Genetics/Laboratory Corporation of America, LabCorp
Classification: Likely benign. Last evaluated: 2025-04-01. Review status: criteria provided, single submitter. Criteria: LabCorp Variant Classification Summary - May 2015. Collection method: clinical testing. Allele origin: germline.

PreventionGenetics, part of Exact Sciences
Classification: Likely benign for COL4A1-related condition. Last evaluated: 2025-01-23. Review status: criteria provided, single submitter. Criteria: ACMG Guidelines, 2015. Collection method: clinical testing. Allele origin: germline.
Comment: This variant is classified as likely benign based on ACMG/AMP sequence variant interpretation guidelines (Richards et al. 2015 PMID: 25741868, with internal and published modifications).

NM_001845.6(COL4A1):c.402G>A (p.Pro134=)

Gene: COL4A1 (collagen type IV alpha 1 chain; minus strand). Cytogenetic location: 13q34.
Variant type: single nucleotide variant.
Coding change: c.402G>A on transcript NM_001845.6 (MANE Select); coding-DNA position 402, G replaced by A.
Protein change: p.Pro134=; no amino-acid change (proline 134 retained).
Molecular consequence: synonymous variant.
Genome position (GRCh38, 1-based): chr13:110,211,908, C>T on the plus strand (G>A on the coding strand, the complement: COL4A1 is on the minus strand). VCF-style: chr13-110211908-C-T. GRCh37 (hg19) VCF-style: chr13-110864255-C-T.
Other names: c.402G>A, p.Pro134= (NM_001303110.2); c.402G>A (NM_001845.5).
Identifiers: ClinVar variation 1529168 (VCV001529168.11), dbSNP rs761538161, ClinGen allele CA7048525.